The following is an entry in ClinVar:

ClinVar aggregate classification (germline): Uncertain significance (1 of 4 stars; one submission).

Conditions:
Glycine encephalopathy. Also called: Nonketotic hyperglycinemia; Non-ketotic hyperglycinemia. Identifiers: Orphanet 407, MedGen C0751748, MONDO:0011612, HP:0008288.

Allele frequency attached by ClinVar (database versions not stated): gnomAD exomes below 0.00001.
gnomAD v4.1: 2 of 1,614,056 alleles (0.00012%); highest among the groups gnomAD compares: East Asian, 0.0022%; no homozygotes.

Submission:

Labcorp Genetics (formerly Invitae), Labcorp
Classification: Uncertain significance for Glycine encephalopathy. Last evaluated: 2022-01-14. Review status: criteria provided, single submitter. Criteria: Invitae Variant Classification Sherloc (09022015). Collection method: clinical testing. Allele origin: germline.
Comment: In summary, the available evidence is currently insufficient to determine the role of this variant in disease. Therefore, it has been classified as a Variant of Uncertain Significance. Advanced modeling of protein sequence and biophysical properties (such as structural, functional, and spatial information, amino acid conservation, physicochemical variation, residue mobility, and thermodynamic stability) performed at Invitae indicates that this missense variant is expected to disrupt GLDC protein function. This variant has not been reported in the literature in individuals affected with GLDC-related conditions. This variant is not present in population databases (gnomAD no frequency). This sequence change replaces arginine, which is basic and polar, with glutamine, which is neutral and polar, at codon 927 of the GLDC protein (p.Arg927Gln).

NM_000170.3(GLDC):c.2780G>A (p.Arg927Gln)

Gene: GLDC (glycine decarboxylase; minus strand). Cytogenetic location: 9p24.1.
Variant type: single nucleotide variant.
Coding change: c.2780G>A on transcript NM_000170.3 (MANE Select); coding-DNA position 2780, G replaced by A.
Protein change: p.Arg927Gln; replaces arginine 927 with glutamine.
Molecular consequence: missense variant.
Genome position (GRCh38, 1-based): chr9:6,536,122, C>T on the plus strand (G>A on the coding strand, the complement: GLDC is on the minus strand). VCF-style: chr9-6536122-C-T. GRCh37 (hg19) VCF-style: chr9-6536122-C-T.
Other names: short protein forms R927Q.
Identifiers: ClinVar variation 1416755 (VCV001416755.8), dbSNP rs934940369, ClinGen allele CA188644381.